The following is an entry in ClinVar:

ClinVar aggregate classification (germline): Uncertain significance (1 of 4 stars; one submission).

Conditions:
FGFR2-related disorder. Identifiers: MedGen CN380096.

Submission:

PreventionGenetics, part of Exact Sciences
Classification: Uncertain significance for FGFR2-related condition. Last evaluated: 2023-08-01. Review status: criteria provided, single submitter. Criteria: ACMG Guidelines, 2015. Collection method: clinical testing. Allele origin: germline.
Comment: The FGFR2 c.2415C>A variant is predicted to result in premature protein termination (p.Tyr805*). To our knowledge, this variant has not been reported in the literature or in a large population database, indicating this variant is rare. While loss of function variants have been reported in FGFR2, none have been reported downstream of this variant. At this time, the clinical significance of this variant is uncertain due to the absence of conclusive functional and genetic evidence.

NM_000141.5(FGFR2):c.2415C>A (p.Tyr805Ter)

Gene: FGFR2 (fibroblast growth factor receptor 2; minus strand). Cytogenetic location: 10q26.13.
Variant type: single nucleotide variant.
Coding change: c.2415C>A on transcript NM_000141.5 (MANE Select); coding-DNA position 2415, C replaced by A.
Protein change: p.Tyr805Ter; replaces tyrosine 805 with a stop codon.
Molecular consequence: nonsense. On other transcripts: non-coding transcript variant (1), intron variant (1).
Genome position (GRCh38, 1-based): chr10:121,479,908, G>T on the plus strand (C>A on the coding strand, the complement: FGFR2 is on the minus strand). VCF-style: chr10-121479908-G-T. GRCh37 (hg19) VCF-style: chr10-123239422-G-T.
Other names: c.2079C>A, p.Tyr693Ter (NM_001144914.1); c.2070C>A, p.Tyr690Ter (NM_001144916.2); c.2067C>A, p.Tyr689Ter (NM_001144917.2); c.2064C>A, p.Tyr688Ter (NM_001144918.2); c.1731C>A, p.Tyr577Ter (NM_001320654.2); c.2409C>A, p.Tyr803Ter (NM_001320658.2); c.2418C>A, p.Tyr806Ter (NM_022970.4); c.2148C>A, p.Tyr716Ter (NM_023029.3); and 1 more; short protein forms Y577*, Y688*, Y689*, Y690*, Y693*, Y716*, Y803*, Y805*.
Identifiers: ClinVar variation 2631649 (VCV002631649.1), dbSNP rs558460047, ClinGen allele CA378358532.
Genomic context (GRCh38, chr10:121,479,908, plus strand): 5'-CACAGTCATTCATGTTTTAACACTGCCGTTTATGTGTGGATACTGAGGAAGGCATGGTTC[G>T]TAAGGCATGGGGTCTGGAGAAAAAACAGAATCATCTCCTGAAGAACAAGAACTTCTTGTG-3'